The following is an entry in ClinVar:

ClinVar aggregate classification (germline): Likely pathogenic (1 of 4 stars; one submission).

Conditions:
Androgen resistance syndrome (AIS). Also called: ANDROGEN RECEPTOR DEFICIENCY; DIHYDROTESTOSTERONE RECEPTOR DEFICIENCY; TESTICULAR FEMINIZATION SYNDROME; Androgen insensitivity syndrome; Androgen insensitivity, complete; Androgen insensitivity syndrome due to coactivator deficiency. Identifiers: Orphanet 754, Orphanet 99429, MedGen C0039585, MONDO:0019154, OMIM 300068. Disease mechanism: loss of function.

Submission:

Victorian Clinical Genetics Services, Murdoch Childrens Research Institute
Classification: Likely pathogenic for Androgen resistance syndrome. Last evaluated: 2025-04-29. Review status: criteria provided, single submitter. Criteria: ACMG Guidelines, 2015. Collection method: clinical testing. Allele origin: germline. Affected: yes.
Comment: This variant is classified as Likely pathogenic. Evidence in support of pathogenic classification: Variant is absent from gnomAD (v2, v3 and v4); Other variant(s) comparable to the one identified in this case have strong previous evidence for pathogenicity. p.(Phe584Leu) has been reported in the literature in individuals with complete androgen insensitivity syndrome (CAIS; PMIDs: 25633053, 28261839). In addition, p.(Phe584del) has been classified as pathogenic by a clinical laboratory in ClinVar, and has been reported in the literature in individuals with CAIS (PMIDs: 8162033, 10690872, 30165367); Variant is located in a hotspot region or cluster of PATHOGENIC variants (DECIPHER); Missense variant predicted to be damaging by in silico tool(s) or highly conserved with a major amino acid change. Additional information: Variant is predicted to result in a missense amino acid change from phenylalanine to valine; This variant is hemizygous; This gene is associated with X-linked recessive disease; This variant has no previous evidence of pathogenicity; No published segregation evidence has been identified for this variant; No published functional evidence has been identified for this variant; Loss of function is a known mechanism of disease in this gene and is associated with androgen insensitivity (MIM#300068), androgen insensitivity, partial, with or without breast cancer (MIM#312300), hypospadias 1, X-linked (MIM#300633), and spinal and bulbar muscular atrophy, X-linked 1 (MIM#313200); Inheritance information for this variant is not currently available in this individual.

Literature cited by the submitters: PubMed 30165367; PubMed 8162033; PubMed 10690872; PubMed 25633053; PubMed 28261839.

NM_000044.6(AR):c.1750T>G (p.Phe584Val)

Gene: AR (androgen receptor; plus strand). Cytogenetic location: Xq12.
Variant type: single nucleotide variant.
Coding change: c.1750T>G on transcript NM_000044.6 (MANE Select); coding-DNA position 1750, T replaced by G.
Protein change: p.Phe584Val; replaces phenylalanine 584 with valine.
Molecular consequence: missense variant. On other transcripts: intron variant (1).
Genome position (GRCh38, 1-based): chrX:67,643,389, T>G. VCF-style: chrX-67643389-T-G. GRCh37 (hg19) VCF-style: chrX-66863231-T-G.
Other names: c.154T>G, p.Phe52Val (NM_001011645.3); c.1750T>G, p.Phe584Val (NM_001348061.1, NM_001348063.1); c.1617-42552T>G (NM_001348064.1); short protein forms F52V, F584V.
Identifiers: ClinVar variation 4531344 (VCV004531344.1).